The following is an entry in ClinVar:

NM_000535.7(PMS2):c.227A>G (p.Glu76Gly)

Gene: PMS2 (PMS1 homolog 2, mismatch repair system component; minus strand). Cytogenetic location: 7p22.1.
Variant type: single nucleotide variant.
Coding change: c.227A>G on transcript NM_000535.7 (MANE Select); coding-DNA position 227, A replaced by G.
Protein change: p.Glu76Gly; replaces glutamic acid 76 with glycine.
Molecular consequence: missense variant. On other transcripts: 5 prime UTR variant (37), synonymous variant (7), non-coding transcript variant (1), intron variant (1).
Genome position (GRCh38, 1-based): chr7:6,003,995, T>C on the plus strand (A>G on the coding strand, the complement: PMS2 is on the minus strand). VCF-style: chr7-6003995-T-C. GRCh37 (hg19) VCF-style: chr7-6043626-T-C.
Other names: c.-179A>G (NM_001018040.1, NM_001322003.2, NM_001322004.2 and 14 more transcripts); c.227A>G, p.Glu76Gly (NM_001322006.2, NM_001322014.2, NM_001406868.1 and 10 more transcripts); c.12A>G, p.Arg4= (NM_001322007.2, NM_001322008.2, NM_001406876.1 and 4 more transcripts); c.-658A>G (NM_001322011.2, NM_001322012.2); c.-258A>G (NM_001322015.2, NM_001406875.1, NM_001406877.1 and 3 more transcripts); c.413A>G, p.Glu138Gly (NM_001406866.1); c.-205A>G (NM_001406880.1); c.-155A>G (NM_001406881.1, NM_001406900.1); and 3 more; short protein forms E76G, E138G.
Identifiers: ClinVar variation 1788904 (VCV001788904.2), dbSNP rs2536513348, ClinGen allele CA366744801.

ClinVar aggregate classification (germline): Uncertain significance (1 of 4 stars; one submission).

Conditions:
Hereditary cancer-predisposing syndrome. Also called: Hereditary Cancer Syndrome; Hereditary neoplastic syndrome; Tumor predisposition; Neoplastic Syndromes, Hereditary. Identifiers: Orphanet 140162, MedGen C0027672, MeSH D009386, MONDO:0015356.

Submission:

Ambry Genetics
Classification: Uncertain significance for Hereditary cancer-predisposing syndrome. Last evaluated: 2021-03-24. Review status: criteria provided, single submitter. Criteria: Ambry Variant Classification Scheme 2023. Collection method: clinical testing. Allele origin: germline.
Comment: The p.E76G variant (also known as c.227A>G), located in coding exon 3 of the PMS2 gene, results from an A to G substitution at nucleotide position 227. The glutamic acid at codon 76 is replaced by glycine, an amino acid with similar properties. This amino acid position is well conserved in available vertebrate species. In addition, the in silico prediction for this alteration is inconclusive. Since supporting evidence is limited at this time, the clinical significance of this alteration remains unclear.